The following is an entry in ClinVar:

NM_002227.4(JAK1):c.2T>C (p.Met1Thr)

Gene: JAK1 (Janus kinase 1; minus strand). Cytogenetic location: 1p31.3.
Variant type: single nucleotide variant.
Coding change: c.2T>C on transcript NM_002227.4 (MANE Select); coding-DNA position 2, T replaced by C.
Protein change: p.Met1Thr; changes the start codon (methionine 1).
Molecular consequence: missense variant, initiator codon variant.
Genome position (GRCh38, 1-based): chr1:64,886,263, A>G on the plus strand (T>C on the coding strand, the complement: JAK1 is on the minus strand). VCF-style: chr1-64886263-A-G. GRCh37 (hg19) VCF-style: chr1-65351946-A-G.
Other names: c.2T>C, p.Met1Thr (NM_001320923.2, NM_001321852.2, NM_001321853.2 and 4 more transcripts); short protein forms M1T.
Identifiers: ClinVar variation 2130578 (VCV002130578.5), dbSNP rs2523137367, ClinGen allele CA340714143.

ClinVar aggregate classification (germline): Uncertain significance (1 of 4 stars; one submission).

Submission:

Labcorp Genetics (formerly Invitae), Labcorp
Classification: Uncertain significance. Last evaluated: 2022-05-30. Review status: criteria provided, single submitter. Criteria: Invitae Variant Classification Sherloc (09022015). Collection method: clinical testing. Allele origin: germline.
Comment: This sequence change affects the initiator methionine of the JAK1 mRNA. The next in-frame methionine is located at codon 13. This variant is not present in population databases (gnomAD no frequency). This variant has not been reported in the literature in individuals affected with JAK1-related conditions. Experimental studies and prediction algorithms are not available or were not evaluated, and the functional significance of this variant is currently unknown. In summary, the available evidence is currently insufficient to determine the role of this variant in disease. Therefore, it has been classified as a Variant of Uncertain Significance.